The following is an entry in ClinVar:

ClinVar aggregate classification (germline): Uncertain significance (1 of 4 stars; one submission).

Conditions:
Myofibrillar myopathy 4. Also called: Zaspopathy (type). Identifiers: Orphanet 98912, MedGen C4721886, MONDO:0012277, OMIM 609452.

Submission:

Labcorp Genetics (formerly Invitae), Labcorp
Classification: Uncertain significance for Myofibrillar myopathy 4. Last evaluated: 2025-08-09. Review status: criteria provided, single submitter. Criteria: Invitae Variant Classification Sherloc (09022015). Collection method: clinical testing. Allele origin: germline.
Comment: The LDB3 gene has multiple clinically relevant transcripts. This variant occurs in alternate transcript NM_007078.3, and corresponds to NM_001080116.1:c.*19345del in the primary transcript. This sequence change falls in intron 11 of the LDB3 gene. It does not directly change the encoded amino acid sequence of the LDB3 protein. This variant is not present in population databases (gnomAD no frequency). This variant has not been reported in the literature in individuals affected with LDB3-related conditions. Experimental studies and prediction algorithms are not available or were not evaluated, and the effect of this variant on mRNA splicing is currently unknown. In summary, the available evidence is currently insufficient to determine the role of this variant in disease. Therefore, it has been classified as a Variant of Uncertain Significance.

NM_007078.3(LDB3):c.1858-8del

Gene: LDB3 (LIM domain binding 3; plus strand). Cytogenetic location: 10q23.2.
Variant type: Deletion.
Coding change: c.1858-8del on transcript NM_007078.3 (MANE Select); 8 bases into the intron before coding-DNA position 1858, one base deleted (T; older notation c.1858-8delT).
Molecular consequence: intron variant.
Genome position (GRCh38, 1-based): chr10:86,718,719, T deleted; the last of 3 consecutive T bases (chr10:86,718,717-86,718,719); deleting any one gives the same sequence. VCF-style (leftmost placement, unchanged base first): chr10-86718716-CT-C. GRCh37 (hg19) VCF-style: chr10-88478473-CT-C.
Other names: c.1669-8del (NM_001368064.1, NM_001368065.1); c.1873-8del (NM_001171610.2); c.1717-8del (NM_001368066.1); c.1528-8del (NM_001080114.2).
Identifiers: ClinVar variation 4746086 (VCV004746086.1).